The following is an entry in ClinVar:

NM_001690.4(ATP6V1A):c.1568A>G (p.Asn523Ser)

Gene: ATP6V1A (ATPase H+ transporting V1 subunit A; plus strand). Cytogenetic location: 3q13.31.
Variant type: single nucleotide variant.
Coding change: c.1568A>G on transcript NM_001690.4 (MANE Select); coding-DNA position 1568, A replaced by G.
Protein change: p.Asn523Ser; replaces asparagine 523 with serine.
Molecular consequence: missense variant.
Genome position (GRCh38, 1-based): chr3:113,803,656, A>G. VCF-style: chr3-113803656-A-G. GRCh37 (hg19) VCF-style: chr3-113522503-A-G.
Other names: short protein forms N523S.
Identifiers: ClinVar variation 2966911 (VCV002966911.3), dbSNP rs2549726968, ClinGen allele CA353992567.
Genomic context (GRCh38, chr3:113,803,656, plus strand): 5'-AAACAGATAAAATCACTCTGGAGGTAGCAAAACTTATCAAAGATGATTTCCTACAACAAA[A>G]TGGATATACTCCTTATGACAGGTAAGCTATATTGATTTCCTTTTTTTATTTGAGGATTTT-3'
Protein context (NP_001681.2, residues 513-533): KLIKDDFLQQ[Asn523Ser]GYTPYDRFCP

ClinVar aggregate classification (germline): Uncertain significance (1 of 4 stars; one submission).

Submission:

Labcorp Genetics (formerly Invitae), Labcorp
Classification: Uncertain significance. Last evaluated: 2023-02-18. Review status: criteria provided, single submitter. Criteria: Invitae Variant Classification Sherloc (09022015). Collection method: clinical testing. Allele origin: germline.
Comment: This sequence change replaces asparagine, which is neutral and polar, with serine, which is neutral and polar, at codon 523 of the ATP6V1A protein (p.Asn523Ser). In summary, the available evidence is currently insufficient to determine the role of this variant in disease. Therefore, it has been classified as a Variant of Uncertain Significance. Advanced modeling of protein sequence and biophysical properties (such as structural, functional, and spatial information, amino acid conservation, physicochemical variation, residue mobility, and thermodynamic stability) performed at Invitae indicates that this missense variant is not expected to disrupt ATP6V1A protein function. This variant has not been reported in the literature in individuals affected with ATP6V1A-related conditions. This variant is not present in population databases (gnomAD no frequency).